The following is an entry in ClinVar:

ClinVar aggregate classification (germline): Benign. Review status: criteria provided, multiple submitters, no conflicts (2 of 4 stars). 13 submissions from 10 submitters: Benign (11). 2 of the submissions do not count toward it. Last evaluated 2026-02-04.

Conditions:
Laurence-Moon syndrome (LNMS). Also called: PNPLA6-Related Laurence-Moon Syndrome (LMS). Identifiers: Orphanet 2377, MedGen C0023138, MONDO:0009514, OMIM 245800.
Trichomegaly-retina pigmentary degeneration-dwarfism syndrome (OMCS). Also called: OLIVER-MCFARLANE SYNDROME; Oliver-McFarlane Syndrome (OMCS); Eyelashes long mental retardation; Trichomegaly retina pigmentary degeneration dwarfism. Identifiers: Orphanet 3363, MedGen C1848745, MONDO:0010152, OMIM 275400.
Ataxia-hypogonadism-choroidal dystrophy syndrome (BNHS). Also called: Boucher-Neuhäuser Syndrome (BNS); Chorioretinal dystrophy, spinocerebellar ataxia and hypogonadotropic hypogonadism. Identifiers: Orphanet 1180, MedGen C1859093, MONDO:0008980, OMIM 215470.
Hereditary spastic paraplegia 39 (SPG39). Also called: SPASTIC PARAPLEGIA 39, AUTOSOMAL RECESSIVE; Spastic Paraplegia Type 39 (SPG39). Identifiers: Orphanet 139480, MedGen C2677586, MONDO:0012787, OMIM 612020.

Allele frequency attached by ClinVar (database versions not stated): gnomAD exomes 0.62210 and 0.63866; ExAC 0.63855; gnomAD 0.68240 and 0.68799; 1000 Genomes Project 0.69449; 1000 Genomes Project 30x 0.69863; ESP Exome Variant Server 0.69964; TOPMed 0.70054.
gnomAD v4.1: 1,012,488 of 1,612,236 alleles (63%); highest among the groups gnomAD compares: African/African-American, 83%; 321,142 homozygotes.

Submissions (13):

Labcorp Genetics (formerly Invitae), Labcorp
Classification: Benign for Hereditary spastic paraplegia 39. Last evaluated: 2026-02-04. Review status: criteria provided, single submitter. Criteria: Invitae Variant Classification Sherloc (09022015). Collection method: clinical testing. Allele origin: germline.

Blueprint Genetics
Classification: Benign. Last evaluated: 2024-11-28. Review status: criteria provided, single submitter. Criteria: ACMG Guidelines, 2015. Collection method: clinical testing. Allele origin: germline.

Genome-Nilou Lab
Classification: Benign for Laurence-Moon syndrome. Last evaluated: 2021-10-25. Review status: criteria provided, single submitter. Criteria: ACMG Guidelines, 2015. Collection method: clinical testing. Allele origin: germline. Affected: no.

Genome-Nilou Lab
Classification: Benign for Ataxia-hypogonadism-choroidal dystrophy syndrome. Last evaluated: 2021-10-25. Review status: criteria provided, single submitter. Criteria: ACMG Guidelines, 2015. Collection method: clinical testing. Allele origin: germline. Affected: no.

Genome-Nilou Lab
Classification: Benign for Trichomegaly-retina pigmentary degeneration-dwarfism syndrome. Last evaluated: 2021-10-25. Review status: criteria provided, single submitter. Criteria: ACMG Guidelines, 2015. Collection method: clinical testing. Allele origin: germline. Affected: no.

Genome-Nilou Lab
Classification: Benign for Hereditary spastic paraplegia 39. Last evaluated: 2021-10-25. Review status: criteria provided, single submitter. Criteria: ACMG Guidelines, 2015. Collection method: clinical testing. Allele origin: germline. Affected: no.

Athena Diagnostics
Classification: Benign. Last evaluated: 2019-07-18. Review status: criteria provided, single submitter. Criteria: Athena Diagnostics Criteria. Collection method: clinical testing. Allele origin: germline.

Illumina Laboratory Services, Illumina
Classification: Benign for Hereditary spastic paraplegia 39. Last evaluated: 2018-01-13. Review status: criteria provided, single submitter. Criteria: ICSL Variant Classification Criteria 13 December 2019. Collection method: clinical testing. Allele origin: germline.
Comment: This variant was observed in the ICSL laboratory as part of a predisposition screen in an ostensibly healthy population. It had not been previously curated by ICSL or reported in the Human Gene Mutation Database (HGMD: prior to June 1st, 2018), and was therefore a candidate for classification through an automated scoring system. Utilizing variant allele frequency, disease prevalence and penetrance estimates, and inheritance mode, an automated score was calculated to assess if this variant is too frequent to cause the disease. Based on the score and internal cut-off values, a variant classified as benign is not then subjected to further curation. The score for this variant resulted in a classification of benign for this disease.

Mayo Clinic Laboratories, Mayo Clinic
Classification: Benign. Last evaluated: 2017-10-02. Review status: criteria provided, single submitter. Criteria: ACMG Guidelines, 2015. Collection method: clinical testing. Allele origin: germline. Observed: 1,798 variant alleles.

GeneDx
Classification: Benign. Last evaluated: 2016-01-22. Review status: criteria provided, single submitter. Criteria: GeneDx Variant Classification (06012015). Collection method: clinical testing. Allele origin: germline. Affected: yes.
Comment: This variant is considered likely benign or benign based on one or more of the following criteria: it is a conservative change, it occurs at a poorly conserved position in the protein, it is predicted to be benign by multiple in silico algorithms, and/or has population frequency not consistent with disease.

Breakthrough Genomics
Classification: Benign. Review status: criteria provided, single submitter. Criteria: ACMG Guidelines, 2015. Collection method: not provided. Allele origin: germline. Inheritance: Autosomal recessive inheritance. Affected: yes.

Diagnostic Laboratory, Department of Genetics, University Medical Center Groningen
Classification: Benign. Review status: no assertion criteria provided. Collection method: clinical testing. Allele origin: germline. Affected: yes. Study: VKGL Data-share Consensus. Not counted in ClinVar's aggregate classification.

Joint Genome Diagnostic Labs from Nijmegen and Maastricht, Radboudumc and MUMC+
Classification: Benign. Review status: no assertion criteria provided. Collection method: clinical testing. Allele origin: germline. Affected: yes. Study: VKGL Data-share Consensus. Not counted in ClinVar's aggregate classification.

NM_001166114.2(PNPLA6):c.1362+8T>C

Gene: PNPLA6 (patatin like domain 6, lysophospholipase; plus strand). Cytogenetic location: 19p13.2.
Variant type: single nucleotide variant.
Coding change: c.1362+8T>C on transcript NM_001166114.2 (MANE Select); 8 bases into the intron after coding-DNA position 1362, T replaced by C.
Molecular consequence: intron variant.
Genome position (GRCh38, 1-based): chr19:7,542,678, T>C. VCF-style: chr19-7542678-T-C. GRCh37 (hg19) VCF-style: chr19-7607564-T-C.
Other names: p.?; c.1245+8T>C (NM_006702.5, NM_001166112.2, NM_001166113.1); c.1389+8T>C (NM_001166111.2).
Identifiers: ClinVar variation 330522 (VCV000330522.24), dbSNP rs620744, ClinGen allele CA9139780.
Genomic context (GRCh38, chr19:7,542,678, plus strand): 5'-CCGTGTCCCTGCAGGAAGAGGCCTCCGGGGGGTCCCTGGCAGCCCCCGCTCGGGTAAGGC[T>C]TGGGACCCTGCCCGGTGGTGGAGCCCGCAGGGGAAGGTGGCTGGGAGGGAGCATCAGGAG-3'